The following is an entry in ClinVar:

ClinVar aggregate classification (germline): Uncertain significance (1 of 4 stars; one submission).

Allele frequency attached by ClinVar (database versions not stated): TOPMed 0.00005; gnomAD 0.00007 and 0.00009; gnomAD exomes 0.00009; ExAC 0.00011.
gnomAD v4.1: 126 of 1,614,130 alleles (0.0078%); highest among the groups gnomAD compares: Middle Eastern, 0.016%; no homozygotes.

Submission:

Labcorp Genetics (formerly Invitae), Labcorp
Classification: Uncertain significance. Last evaluated: 2025-12-10. Review status: criteria provided, single submitter. Criteria: Invitae Variant Classification Sherloc (09022015). Collection method: clinical testing. Allele origin: germline.
Comment: This sequence change replaces tyrosine, which is neutral and polar, with cysteine, which is neutral and slightly polar, at codon 349 of the SIAE protein (p.Tyr349Cys). This variant is present in population databases (rs749579541, gnomAD 0.02%). This variant has not been reported in the literature in individuals affected with SIAE-related conditions. ClinVar contains an entry for this variant (Variation ID: 1446954). An algorithm developed to predict the effect of missense changes on protein structure and function outputs the following: PolyPhen-2: "Benign". The cysteine amino acid residue is found in multiple mammalian species, which suggests that this missense change does not adversely affect protein function. Experimental studies have shown that this missense change affects SIAE function (PMID: 20555325). In summary, the available evidence is currently insufficient to determine the role of this variant in disease. Therefore, it has been classified as a Variant of Uncertain Significance.

Literature cited by the submitters: PubMed 20555325.

NM_170601.5(SIAE):c.1046A>G (p.Tyr349Cys)

Gene: SIAE (sialic acid acetylesterase; minus strand). Cytogenetic location: 11q24.2.
Variant type: single nucleotide variant.
Coding change: c.1046A>G on transcript NM_170601.5 (MANE Select); coding-DNA position 1046, A replaced by G.
Protein change: p.Tyr349Cys; replaces tyrosine 349 with cysteine.
Molecular consequence: missense variant.
Genome position (GRCh38, 1-based): chr11:124,639,788, T>C on the plus strand (A>G on the coding strand, the complement: SIAE is on the minus strand). VCF-style: chr11-124639788-T-C. GRCh37 (hg19) VCF-style: chr11-124509684-T-C.
Other names: c.941A>G, p.Tyr314Cys (NM_001199922.2); short protein forms Y314C, Y349C.
Identifiers: ClinVar variation 1446954 (VCV001446954.6), dbSNP rs749579541, ClinGen allele CA6341315.
Genomic context (GRCh38, chr11:124,639,788, plus strand): 5'-CTATCACAGAGATCCATAGCTACAGCCATGAAAGTATTGGGCATCTTTGGGTTGGGGACA[T>C]AGCCGAAGTCTGCTGTTTGATGCCAACGGATCTGGGGAAATCCATCGTCTGAGCTCTTCT-3'
Protein context (NP_733746.1, residues 339-359): IRWHQTADFG[Tyr349Cys]VPNPKMPNTF